The following is an entry in ClinVar:

NM_203447.4(DOCK8):c.3032G>C (p.Arg1011Pro)

Gene: DOCK8 (dedicator of cytokinesis 8; plus strand). Cytogenetic location: 9p24.3.
Variant type: single nucleotide variant.
Coding change: c.3032G>C on transcript NM_203447.4 (MANE Select); coding-DNA position 3032, G replaced by C.
Protein change: p.Arg1011Pro; replaces arginine 1011 with proline.
Molecular consequence: missense variant.
Genome position (GRCh38, 1-based): chr9:396,846, G>C. VCF-style: chr9-396846-G-C. GRCh37 (hg19) VCF-style: chr9-396846-G-C.
Other names: c.2732G>C, p.Arg911Pro (NM_001190458.2); c.2828G>C, p.Arg943Pro (NM_001193536.2); short protein forms R1011P, R911P, R943P.
Identifiers: ClinVar variation 1061714 (VCV001061714.9), dbSNP rs775921392, ClinGen allele CA187756145.

ClinVar aggregate classification (germline): Uncertain significance (1 of 4 stars; one submission).

Conditions:
Combined immunodeficiency due to DOCK8 deficiency (HIES2). Also called: Hyper-IgE recurrent infection syndrome, autosomal recessive; DOCK8 Deficiency; HYPER-IgE RECURRENT INFECTION SYNDROME 2, AUTOSOMAL RECESSIVE; HYPER-IgE SYNDROME 2, AUTOSOMAL RECESSIVE, WITH RECURRENT INFECTIONS; HIES autosomal recessive. Identifiers: Orphanet 217390, MedGen C4722305, MONDO:0009478, OMIM 243700.

gnomAD v4.1: 16 of 1,613,964 alleles (0.00099%); highest among the groups gnomAD compares: Non-Finnish European, 0.0013%; no homozygotes.

Submission:

Labcorp Genetics (formerly Invitae), Labcorp
Classification: Uncertain significance for Combined immunodeficiency due to DOCK8 deficiency. Last evaluated: 2020-03-22. Review status: criteria provided, single submitter. Criteria: Invitae Variant Classification Sherloc (09022015). Collection method: clinical testing. Allele origin: germline.
Comment: Algorithms developed to predict the effect of missense changes on protein structure and function (SIFT, PolyPhen-2, Align-GVGD) all suggest that this variant is likely to be disruptive, but these predictions have not been confirmed by published functional studies and their clinical significance is uncertain. This variant has not been reported in the literature in individuals with DOCK8-related conditions. This variant is not present in population databases (ExAC no frequency). In summary, the available evidence is currently insufficient to determine the role of this variant in disease. Therefore, it has been classified as a Variant of Uncertain Significance. This sequence change replaces arginine with proline at codon 1011 of the DOCK8 protein (p.Arg1011Pro). The arginine residue is highly conserved and there is a moderate physicochemical difference between arginine and proline.